The following is an entry in ClinVar:

NM_017780.4(CHD7):c.257C>A (p.Pro86Gln)

Gene: CHD7 (chromodomain helicase DNA binding protein 7; plus strand). Cytogenetic location: 8q12.2.
Variant type: single nucleotide variant.
Coding change: c.257C>A on transcript NM_017780.4 (MANE Select); coding-DNA position 257, C replaced by A.
Protein change: p.Pro86Gln; replaces proline 86 with glutamine.
Molecular consequence: missense variant.
Genome position (GRCh38, 1-based): chr8:60,741,689, C>A. VCF-style: chr8-60741689-C-A. GRCh37 (hg19) VCF-style: chr8-61654248-C-A.
Other names: c.257C>A, p.Pro86Gln (NM_001316690.1); short protein forms P86Q.
Identifiers: ClinVar variation 844724 (VCV000844724.10), dbSNP rs1355349547, ClinGen allele CA371296825.

ClinVar aggregate classification (germline): Uncertain significance. Review status: criteria provided, multiple submitters, no conflicts (2 of 4 stars). 2 submissions from 2 submitters: Uncertain significance (2). Last evaluated 2025-04-26.

Conditions:
CHD7-related disorder. Also called: CHD7-related condition.
CHARGE syndrome (CHARGE). Also called: CHARGE ASSOCIATION--COLOBOMA, HEART ANOMALY, CHOANAL ATRESIA, RETARDATION, GENITAL AND EAR ANOMALIES; Coloboma, heart anomaly, choanal atresia, retardation, genital and ear anomalies; CHARGE association; Hall-Hittner syndrome; Hittner Hirsch Kreh syndrome. Identifiers: Orphanet 138, MedGen C0265354, MONDO:0008965.

Submissions (2):

PreventionGenetics, part of Exact Sciences
Classification: Uncertain significance for CHD7-related condition. Last evaluated: 2025-04-26. Review status: criteria provided, single submitter. Criteria: ACMG Guidelines, 2015. Collection method: clinical testing. Allele origin: germline.
Comment: The CHD7 c.257C>A variant is predicted to result in the amino acid substitution p.Pro86Gln. To our knowledge, this variant has not been reported in the literature or in a large population database (gnomAD), indicating this variant is rare. At this time, the clinical significance of this variant is uncertain due to the absence of conclusive functional and genetic evidence.

Labcorp Genetics (formerly Invitae), Labcorp
Classification: Uncertain significance for CHARGE syndrome. Last evaluated: 2019-04-18. Review status: criteria provided, single submitter. Criteria: Invitae Variant Classification Sherloc (09022015). Collection method: clinical testing. Allele origin: germline.
Comment: This sequence change replaces proline with glutamine at codon 86 of the CHD7 protein (p.Pro86Gln). The proline residue is highly conserved and there is a moderate physicochemical difference between proline and glutamine. This variant is not present in population databases (ExAC no frequency). In summary, the available evidence is currently insufficient to determine the role of this variant in disease. Therefore, it has been classified as a Variant of Uncertain Significance. Algorithms developed to predict the effect of sequence changes on RNA splicing suggest that this variant may create or strengthen a splice site, but this prediction has not been confirmed by published transcriptional studies. Algorithms developed to predict the effect of missense changes on protein structure and function are either unavailable or do not agree on the potential impact of this missense change (SIFT: "Tolerated"; PolyPhen-2: "Possibly Damaging"; Align-GVGD: "Class C0"). This variant has not been reported in the literature in individuals with CHD7-related conditions.